The following is an entry in ClinVar:

ClinVar aggregate classification (germline): Uncertain significance (1 of 4 stars; one submission).

Conditions:
Hereditary spastic paraplegia 31. Also called: SPASTIC PARAPLEGIA 31, AUTOSOMAL DOMINANT. Identifiers: Orphanet 101011, MedGen C1853247, MONDO:0012453, OMIM 610250.

Submission:

Labcorp Genetics (formerly Invitae), Labcorp
Classification: Uncertain significance for Hereditary spastic paraplegia 31. Last evaluated: 2020-11-12. Review status: criteria provided, single submitter. Criteria: Invitae Variant Classification Sherloc (09022015). Collection method: clinical testing. Allele origin: germline.
Comment: This sequence change replaces cysteine with tyrosine at codon 60 of the REEP1 protein (p.Cys60Tyr). The cysteine residue is moderately conserved and there is a large physicochemical difference between cysteine and tyrosine. This variant is not present in population databases (ExAC no frequency). This variant has not been reported in the literature in individuals with REEP1-related conditions. Algorithms developed to predict the effect of missense changes on protein structure and function (SIFT, PolyPhen-2, Align-GVGD) all suggest that this variant is likely to be tolerated, but these predictions have not been confirmed by published functional studies and their clinical significance is uncertain. In summary, the available evidence is currently insufficient to determine the role of this variant in disease. Therefore, it has been classified as a Variant of Uncertain Significance.

NM_001371279.1(REEP1):c.179G>A (p.Cys60Tyr)

Gene: REEP1 (receptor accessory protein 1; minus strand). Cytogenetic location: 2p11.2.
Variant type: single nucleotide variant.
Coding change: c.179G>A on transcript NM_001371279.1 (MANE Select); coding-DNA position 179, G replaced by A.
Protein change: p.Cys60Tyr; replaces cysteine 60 with tyrosine.
Molecular consequence: missense variant.
Genome position (GRCh38, 1-based): chr2:86,263,968, C>T on the plus strand (G>A on the coding strand, the complement: REEP1 is on the minus strand). VCF-style: chr2-86263968-C-T. GRCh37 (hg19) VCF-style: chr2-86491091-C-T.
Other names: c.200G>A, p.Cys67Tyr (NM_001164730.2); c.98G>A, p.Cys33Tyr (NM_001164731.2); c.179G>A, p.Cys60Tyr (NM_001164732.2, NM_001371280.1, NM_022912.3); short protein forms C60Y, C33Y, C67Y.
Identifiers: ClinVar variation 1356668 (VCV001356668.8), dbSNP rs2104302794, ClinGen allele CA347719895.